The following is an entry in ClinVar:

ClinVar aggregate classification (germline): Uncertain significance. Review status: criteria provided, multiple submitters, no conflicts (2 of 4 stars). 9 submissions from 9 submitters: Uncertain significance (9). Last evaluated 2026-08-06.

Conditions:
Inherited phaeochromocytoma and paraganglioma excluding NF1.
SDHAF2-related disorder. Also called: SDHAF2-related condition.
Hereditary cancer-predisposing syndrome. Also called: Neoplastic Syndromes, Hereditary; Hereditary Cancer Syndrome; Tumor predisposition; Hereditary neoplastic syndrome. Identifiers: Orphanet 140162, MedGen C0027672, MeSH D009386, MONDO:0015356.
Hereditary pheochromocytoma and paraganglioma. Also called: Hereditary paragangliomas and pheochromocytomas; Hereditary pheochromocytoma-paraganglioma; Hereditary Paraganglioma-Pheochromocytoma Syndromes. Identifiers: Orphanet 29072, MedGen C4274332, MONDO:0017366.
Pheochromocytoma/paraganglioma syndrome 2. Also called: GLOMUS TUMORS, FAMILIAL, 2; Paragangliomas 2; SDHAF2-Related Hereditary Paraganglioma-Pheochromocytoma Syndrome; SDHAF2-Related Hereditary Paraganglioma-Pheochromocytoma Syndrome (Paragangliomas 2). Identifiers: Orphanet 29072, MedGen C1866552, MONDO:0011121, OMIM 601650.

Allele frequency attached by ClinVar (database versions not stated): ExAC 0.00001; gnomAD exomes 0.00002 and 0.00003; gnomAD 0.00004 and 0.00007; TOPMed 0.00004; 1000 Genomes Project 30x 0.00016; 1000 Genomes Project 0.00020.
gnomAD v4.1: 56 of 1,614,218 alleles (0.0035%); highest among the groups gnomAD compares: Middle Eastern, 0.066%; no homozygotes.

Submissions (9):

NHS Central & South Genomic Laboratory Hub
Classification: Uncertain significance for Inherited phaeochromocytoma and paraganglioma excluding NF1. Last evaluated: 2026-08-06. Review status: criteria provided, single submitter. Criteria: ACMG Guidelines, 2015. Collection method: clinical testing. Allele origin: germline. Affected: yes.

PreventionGenetics, part of Exact Sciences
Classification: Uncertain significance for SDHAF2-related condition. Last evaluated: 2026-06-08. Review status: criteria provided, single submitter. Criteria: ACMG Guidelines, 2015. Collection method: clinical testing. Allele origin: germline.
Comment: The SDHAF2 c.139A>G variant is predicted to result in the amino acid substitution p.Met47Val. This variant has been reported in an individual with pheochromocytoma (Bayley et al. 2010. PubMed ID: 20071235) and in an individual with relapsed B-cell acute lymphoblastic leukemia (B-ALL) and thyroid carcinoma who was also heterozygous for CHEK2 c.1100delC (Ipe et al. 2023. PubMed ID: 36937957). This variant has also been reported in a cohort of individuals who were clinically suspicious for hereditary breast/ovarian cancer (HBOC) (Table S6, Bonache et al. 2018. PubMed ID: 30306255). This variant is reported in 0.0080% of alleles in individuals of African descent in gnomAD and is classified as uncertain in ClinVar (Variation ID: 486407). At this time, the clinical significance of this variant is uncertain due to the absence of conclusive functional and genetic evidence.

Ambry Genetics
Classification: Uncertain significance for Hereditary cancer-predisposing syndrome. Last evaluated: 2026-04-24. Review status: criteria provided, single submitter. Criteria: Ambry Variant Classification Scheme 2023. Collection method: clinical testing. Allele origin: germline.
Comment: The c.139A>G (p.M47V) alteration is located in exon 2 (coding exon 2) of the SDHAF2 gene. This alteration results from a A to G substitution at nucleotide position 139, causing the methionine (M) at amino acid position 47 to be replaced by a valine (V). Based on data from gnomAD, the G allele has an overall frequency of 0.003% (8/282814) total alleles studied. The highest observed frequency was 0.014% (1/7228) of Other alleles. Based on insufficient or conflicting evidence, the clinical significance of this alteration remains unclear.

Labcorp Genetics (formerly Invitae), Labcorp
Classification: Uncertain significance for Hereditary pheochromocytoma and paraganglioma. Last evaluated: 2025-12-21. Review status: criteria provided, single submitter. Criteria: Invitae Variant Classification Sherloc (09022015). Collection method: clinical testing. Allele origin: germline.
Comment: This sequence change replaces methionine, which is neutral and non-polar, with valine, which is neutral and non-polar, at codon 47 of the SDHAF2 protein (p.Met47Val). This variant is present in population databases (rs111402137, gnomAD 0.009%). This missense change has been observed in individual(s) with phaeochromocytoma (PMID: 20071235). ClinVar contains an entry for this variant (Variation ID: 486407). An algorithm developed to predict the effect of missense changes on protein structure and function outputs the following: PolyPhen-2: "Benign". The valine amino acid residue is found in multiple mammalian species, which suggests that this missense change does not adversely affect protein function. RNA analysis performed to evaluate the impact of this missense change on mRNA splicing indicates it does not significantly alter splicing (internal data). In summary, the available evidence is currently insufficient to determine the role of this variant in disease. Therefore, it has been classified as a Variant of Uncertain Significance.

GeneDx
Classification: Uncertain significance. Last evaluated: 2024-12-26. Review status: criteria provided, single submitter. Criteria: GeneDx Variant Classification Process June 2021. Collection method: clinical testing. Allele origin: germline. Affected: yes.
Comment: Not observed at significant frequency in large population cohorts (gnomAD); In silico analysis indicates that this missense variant does not alter protein structure/function; This variant is associated with the following publications: (PMID: Ipe2022[poster], 20071235, 30306255, 36937957)

Color Diagnostics, LLC DBA Color Health
Classification: Uncertain significance for Hereditary pheochromocytoma and paraganglioma. Last evaluated: 2024-05-29. Review status: criteria provided, single submitter. Criteria: ACMG Guidelines, 2015. Collection method: clinical testing. Allele origin: germline.
Comment: This missense variant replaces methionine with valine at codon 47 of the SDHAF2 protein. Computational prediction suggests that this variant may not impact protein structure and function. To our knowledge, functional studies have not been reported for this variant. This variant has been reported in an individuals affected with phaeochromocytoma in the literature (PMID: 20071235). This variant has been identified in 8/282814 chromosomes in the general population by the Genome Aggregation Database (gnomAD). The available evidence is insufficient to determine the role of this variant in disease conclusively. Therefore, this variant is classified as a Variant of Uncertain Significance.

Baylor Genetics
Classification: Uncertain significance for Pheochromocytoma/paraganglioma syndrome 2. Last evaluated: 2024-03-21. Review status: criteria provided, single submitter. Criteria: ACMG Guidelines, 2015. Collection method: clinical testing. Allele origin: unknown.

All of Us Research Program, National Institutes of Health
Classification: Uncertain significance for Hereditary pheochromocytoma and paraganglioma. Last evaluated: 2023-08-15. Review status: criteria provided, single submitter. Criteria: ACMG Guidelines, 2015. Collection method: clinical testing. Allele origin: germline. Inheritance: Autosomal dominant inheritance. Observed: 4 variant alleles, 4 heterozygotes.
Comment: This study involves interpretation of variants in research participants for the purpose of population health screening. Participant phenotype was not available at the time of variant classification. Additional details can be found in publication PMID: 35346344, PMCID: PMC8962531

Quest Diagnostics Nichols Institute San Juan Capistrano
Classification: Uncertain significance. Last evaluated: 2023-01-19. Review status: criteria provided, single submitter. Criteria: Quest Diagnostics criteria. Collection method: clinical testing. Allele origin: unknown.
Comment: The frequency of this variant in the general population, 0.000028 (8/282814 chromosomes), is uninformative in assessment of its pathogenicity. In the published literature, the variant has been reported in one individual with phaeochromocytoma (PMID: 20071235 (2010)), and in a family clinically suspicious of hereditary breast/ovarian cancer (PMID: 30306255 (2018)). Analysis of this variant using bioinformatics tools for the prediction of the effect of amino acid changes on protein structure and function yielded predictions that this variant is benign. Based on the available information, we are unable to determine the clinical significance of this variant.

Literature cited by the submitters: PubMed 20071235 (cited by 3 submitters); PubMed 30306255 (cited by Quest Diagnostics Nichols Institute San Juan Capistrano).

NM_017841.4(SDHAF2):c.139A>G (p.Met47Val)

Gene: SDHAF2 (succinate dehydrogenase complex assembly factor 2; plus strand). Cytogenetic location: 11q12.2.
Variant type: single nucleotide variant.
Coding change: c.139A>G on transcript NM_017841.4 (MANE Select); coding-DNA position 139, A replaced by G.
Protein change: p.Met47Val; replaces methionine 47 with valine.
Molecular consequence: missense variant.
Genome position (GRCh38, 1-based): chr11:61,437,727, A>G. VCF-style: chr11-61437727-A-G. GRCh37 (hg19) VCF-style: chr11-61205199-A-G.
Other names: short protein forms M47V.
Identifiers: ClinVar variation 486407 (VCV000486407.23), dbSNP rs111402137, ClinGen allele CA057795.
Genomic context (GRCh38, chr11:61,437,727, plus strand): 5'-AGTGTGACATCATTCAGACGCTTCTACAGAGGTGACAGCCCAACAGATTCCCAAAAGGAC[A>G]TGATTGAAATCCCTTTGCCTCCATGGCAGGAGAGAACTGATGAATCCATAGAAACCAAAA-3'
Protein context (NP_060311.1, residues 37-57): GDSPTDSQKD[Met47Val]IEIPLPPWQE